The following is an entry in ClinVar:

NM_001378452.1(ITPR1):c.6615+8C>T

Gene: ITPR1 (inositol 1,4,5-trisphosphate receptor type 1; plus strand). Cytogenetic location: 3p26.1.
Variant type: single nucleotide variant.
Coding change: c.6615+8C>T on transcript NM_001378452.1 (MANE Select); 8 bases into the intron after coding-DNA position 6615, C replaced by T.
Molecular consequence: intron variant.
Genome position (GRCh38, 1-based): chr3:4,783,928, C>T. VCF-style: chr3-4783928-C-T. GRCh37 (hg19) VCF-style: chr3-4825612-C-T.
Other names: c.6471+8C>T (NM_001099952.4); c.6570+8C>T (NM_001168272.2); c.6426+8C>T (NM_002222.7).
Identifiers: ClinVar variation 4293852 (VCV004293852.1).

ClinVar aggregate classification (germline): Uncertain significance (1 of 4 stars; one submission).

Conditions:
Spinocerebellar ataxia type 15/16 (SCA15). Also called: Spinocerebellar Ataxia Type 15. Identifiers: Orphanet 98769, MedGen C1847725, MONDO:0011694, OMIM 606658.

Submission:

3billion
Classification: Uncertain significance for Spinocerebellar ataxia type 15/16. Last evaluated: 2024-11-07. Review status: criteria provided, single submitter. Criteria: ACMG Guidelines, 2015. Collection method: clinical testing. Allele origin: germline. Affected: yes.
Comment: The variant is not observed in the gnomAD v4.1.0 dataset. Predicted Consequence/Location: Intron variant In silico tools predict the variant to alter splicing and produce an abnormal transcript [SpliceAI: 0.35 (>=0.2, moderate evidence for spliceogenicity)]. Therefore, this variant is classified as VUS according to the recommendation of ACMG/AMP guideline.